The following is an entry in ClinVar:

ClinVar aggregate classification (germline): Pathogenic/Likely pathogenic. Review status: criteria provided, multiple submitters, no conflicts (2 of 4 stars). 4 submissions from 4 submitters: Pathogenic (1); Likely pathogenic (2). 1 of the submissions does not count toward it. Last evaluated 2025-08-18.

Conditions:
3 beta-Hydroxysteroid dehydrogenase deficiency. Also called: Congenital adrenal hyperplasia due to 3-beta-hydroxysteroid dehydrogenase deficiency; 3-BETA-HSD DEFICIENCY; ADRENAL HYPERPLASIA II; ADRENAL HYPERPLASIA, CONGENITAL, DUE TO 3-BETA-HYDROXYSTEROID DEHYDROGENASE 2 DEFICIENCY; 3b-hydroxysteroid dehydrogenase deficiency. Identifiers: Orphanet 90791, MedGen C0342471, MeSH C538236, MONDO:0008727, OMIM 201810. Disease mechanism: loss of function.

Allele frequency attached by ClinVar (database versions not stated): gnomAD 0.00001; TOPMed 0.00002.
gnomAD v4.1: 23 of 1,613,912 alleles (0.0014%); highest among the groups gnomAD compares: South Asian, 0.0033%; no homozygotes.

Submissions (4):

Natera, Inc.
Classification: Likely pathogenic for 3 beta hydroxysteroid dehydrogenase deficiency. Last evaluated: 2025-08-18. Review status: criteria provided, single submitter. Criteria: Natera Variant Classification Schema (03/2026). Collection method: clinical testing. Allele origin: germline.
Comment: The c.424G>A variant in HSD3B2 is a missense variant predicted to cause substitution of glutamic acid to lysine at amino acid 142. This variant is rare in the general population with a frequency below the threshold expected for the associated phenotype(s). This variant has been observed in one or more individuals affected with the associated recessive disease, as either homozygous or compound heterozygous with a second variant (PMID: 27796263, 12608938). Functional studies show that this variant may disrupt protein function (PMID: 11196452). Computational prediction algorithms indicate this variant is likely to affect gene or protein function. Given the available evidence, this variant is classified as Likely Pathogenic.

GeneDx
Classification: Likely pathogenic. Last evaluated: 2024-05-16. Review status: criteria provided, single submitter. Criteria: GeneDx Variant Classification Process June 2021. Collection method: clinical testing. Allele origin: germline. Affected: yes.
Comment: In silico analysis supports that this missense variant has a deleterious effect on protein structure/function; This variant is associated with the following publications: (PMID: 8316254, 10599696, 11196452, 33757164, 12050213, 12608938, 27796263)

Labcorp Genetics (formerly Invitae), Labcorp
Classification: Pathogenic. Last evaluated: 2023-10-30. Review status: criteria provided, single submitter. Criteria: Invitae Variant Classification Sherloc (09022015). Collection method: clinical testing. Allele origin: germline.
Comment: This sequence change replaces glutamic acid, which is acidic and polar, with lysine, which is basic and polar, at codon 142 of the HSD3B2 protein (p.Glu142Lys). This variant is present in population databases (rs80358219, gnomAD 0.003%). This missense change has been observed in individual(s) with congenital adrenal hyperplasia (PMID: 8316254, 12050213, 27796263). In at least one individual the data is consistent with being in trans (on the opposite chromosome) from a pathogenic variant. ClinVar contains an entry for this variant (Variation ID: 12190). Advanced modeling of protein sequence and biophysical properties (such as structural, functional, and spatial information, amino acid conservation, physicochemical variation, residue mobility, and thermodynamic stability) performed at Invitae indicates that this missense variant is expected to disrupt HSD3B2 protein function with a positive predictive value of 80%. Experimental studies have shown that this missense change affects HSD3B2 function (PMID: 8316254, 11196452). For these reasons, this variant has been classified as Pathogenic.

OMIM
Classification: Pathogenic for ADRENAL HYPERPLASIA, CONGENITAL, DUE TO 3-BETA-HYDROXYSTEROID DEHYDROGENASE 2 DEFICIENCY. Last evaluated: 2002-06-01. Review status: no assertion criteria provided. Collection method: literature only. Allele origin: germline. Not counted in ClinVar's aggregate classification.

Literature cited by the submitters: PubMed 27796263 (cited by Natera, Inc. and Labcorp Genetics (formerly Invitae), Labcorp); PubMed 12608938 (cited by Natera, Inc.); PubMed 11196452 (cited by Natera, Inc. and Labcorp Genetics (formerly Invitae), Labcorp); PubMed 8316254 (cited by Labcorp Genetics (formerly Invitae), Labcorp); PubMed 12050213 (cited by Labcorp Genetics (formerly Invitae), Labcorp and OMIM).

NM_000198.4(HSD3B2):c.424G>A (p.Glu142Lys)

Gene: HSD3B2 (hydroxy-delta-5-steroid dehydrogenase, 3 beta- and steroid delta-isomerase 2; plus strand). Cytogenetic location: 1p12.
Variant type: single nucleotide variant.
Coding change: c.424G>A on transcript NM_000198.4 (MANE Select); coding-DNA position 424, G replaced by A.
Protein change: p.Glu142Lys; replaces glutamic acid 142 with lysine.
Molecular consequence: missense variant.
Genome position (GRCh38, 1-based): chr1:119,421,925, G>A. VCF-style: chr1-119421925-G-A. GRCh37 (hg19) VCF-style: chr1-119964548-G-A.
Other names: c.424G>A, p.Glu142Lys (NM_001166120.2); short protein forms E142K.
Identifiers: ClinVar variation 12190 (VCV000012190.15), dbSNP rs80358219, ClinGen allele CA121931.